The following is an entry in ClinVar:

NM_021930.6(RINT1):c.815G>A (p.Cys272Tyr)

Gene: RINT1 (RAD50 interactor 1; plus strand). Cytogenetic location: 7q22.3.
Variant type: single nucleotide variant.
Coding change: c.815G>A on transcript NM_021930.6 (MANE Select); coding-DNA position 815, G replaced by A.
Protein change: p.Cys272Tyr; replaces cysteine 272 with tyrosine.
Molecular consequence: missense variant. On other transcripts: 5 prime UTR variant (2), non-coding transcript variant (1), intron variant (1).
Genome position (GRCh38, 1-based): chr7:105,547,309, G>A. VCF-style: chr7-105547309-G-A. GRCh37 (hg19) VCF-style: chr7-105187756-G-A.
Other names: c.581G>A, p.Cys194Tyr (NM_001346599.2); c.-205G>A (NM_001346600.2); c.-108G>A (NM_001346601.2); c.-27-2746G>A (NM_001346603.2); short protein forms C194Y, C272Y.
Identifiers: ClinVar variation 5028280 (VCV005028280.1).

ClinVar aggregate classification (germline): Uncertain significance (1 of 4 stars; one submission).

Submission:

Ambry Genetics
Classification: Uncertain significance. Last evaluated: 2026-07-13. Review status: criteria provided, single submitter. Criteria: Ambry Variant Classification Scheme 2023. Collection method: clinical testing. Allele origin: germline.
Comment: The p.C272Y variant (also known as c.815G>A), located in coding exon 6 of the RINT1 gene, results from a G to A substitution at nucleotide position 815. The cysteine at codon 272 is replaced by tyrosine, an amino acid with highly dissimilar properties. This amino acid position is conserved. In addition, this alteration is predicted to be tolerated by in silico analysis. Based on the available evidence, the clinical significance of this variant remains unclear.